The following is an entry in ClinVar:

ClinVar aggregate classification (germline): Uncertain significance. Review status: criteria provided, multiple submitters, no conflicts (2 of 4 stars). 4 submissions from 4 submitters: Uncertain significance (4). Last evaluated 2026-06-03.

Conditions:
Hereditary cancer-predisposing syndrome. Also called: Hereditary Cancer Syndrome; Tumor predisposition; Hereditary neoplastic syndrome; Neoplastic Syndromes, Hereditary. Identifiers: Orphanet 140162, MedGen C0027672, MeSH D009386, MONDO:0015356.
Colorectal cancer, susceptibility to, 12 (CRCS12). Also called: COLORECTAL CANCER, SUSCEPTIBILITY TO, ON CHROMOSOME 12q24. Identifiers: Orphanet 220460, MedGen C3554460, MONDO:0014038, OMIM 615083.
Intrauterine growth retardation, metaphyseal dysplasia, adrenal hypoplasia congenita, genital anomalies, and immunodeficiency. Also called: IMAGEI SYNDROME. Identifiers: MedGen C5193036, MONDO:0032684, OMIM 618336.
Facial dysmorphism-immunodeficiency-livedo-short stature syndrome. Also called: FILS syndrome; Facial dysmorphism, immunodeficiency, livedo, and short stature. Identifiers: Orphanet 352712, MedGen C3554576, MONDO:0014058, OMIM 615139.

Allele frequency attached by ClinVar (database versions not stated): gnomAD 0.00001; TOPMed 0.00003.
gnomAD v4.1: 7 of 1,614,084 alleles (0.00043%); highest among the groups gnomAD compares: South Asian, 0.0011%; no homozygotes.

Submissions (4):

Ambry Genetics
Classification: Uncertain significance for Hereditary cancer-predisposing syndrome. Last evaluated: 2026-06-03. Review status: criteria provided, single submitter. Criteria: Ambry Variant Classification Scheme 2023. Collection method: clinical testing. Allele origin: germline.

Labcorp Genetics (formerly Invitae), Labcorp
Classification: Uncertain significance. Last evaluated: 2024-12-10. Review status: criteria provided, single submitter. Criteria: Invitae Variant Classification Sherloc (09022015). Collection method: clinical testing. Allele origin: germline.
Comment: This sequence change replaces arginine, which is basic and polar, with cysteine, which is neutral and slightly polar, at codon 1037 of the POLE protein (p.Arg1037Cys). This variant is not present in population databases (gnomAD no frequency). This variant has not been reported in the literature in individuals affected with POLE-related conditions. ClinVar contains an entry for this variant (Variation ID: 405732). Invitae Evidence Modeling of protein sequence and biophysical properties (such as structural, functional, and spatial information, amino acid conservation, physicochemical variation, residue mobility, and thermodynamic stability) has been performed for this missense variant. However, the output from this modeling did not meet the statistical confidence thresholds required to predict the impact of this variant on POLE protein function. In summary, the available evidence is currently insufficient to determine the role of this variant in disease. Therefore, it has been classified as a Variant of Uncertain Significance.

Fulgent Genetics
Classification: Uncertain significance for Colorectal cancer, susceptibility to, 12; Facial dysmorphism-immunodeficiency-livedo-short stature syndrome; Intrauterine growth retardation, metaphyseal dysplasia, adrenal hypoplasia congenita, genital anomalies, and immunodeficiency. Last evaluated: 2024-05-31. Review status: criteria provided, single submitter. Criteria: ACMG Guidelines, 2015. Collection method: clinical testing. Allele origin: germline.

GeneDx
Classification: Uncertain significance. Last evaluated: 2019-07-05. Review status: criteria provided, single submitter. Criteria: GeneDx Variant Classification Process June 2021. Collection method: clinical testing. Allele origin: germline. Affected: yes.
Comment: Not observed in large population cohorts (Lek et al., 2016); In silico analysis, which includes protein predictors and evolutionary conservation, supports a deleterious effect; Has not been previously published as pathogenic or benign to our knowledge

NM_006231.4(POLE):c.3109C>T (p.Arg1037Cys)

Gene: POLE (DNA polymerase epsilon, catalytic subunit; minus strand). Cytogenetic location: 12q24.33.
Variant type: single nucleotide variant.
Coding change: c.3109C>T on transcript NM_006231.4 (MANE Select); coding-DNA position 3109, C replaced by T.
Protein change: p.Arg1037Cys; replaces arginine 1037 with cysteine.
Molecular consequence: missense variant.
Genome position (GRCh38, 1-based): chr12:132,659,461, G>A on the plus strand (C>T on the coding strand, the complement: POLE is on the minus strand). VCF-style: chr12-132659461-G-A. GRCh37 (hg19) VCF-style: chr12-133236047-G-A.
Other names: c.3109C>T (NM_006231.2); short protein forms R1037C.
Identifiers: ClinVar variation 405732 (VCV000405732.13), dbSNP rs948001596, ClinGen allele CA16613888.